The following is an entry in ClinVar:

NM_001358921.2(COQ2):c.383C>G (p.Thr128Ser)

Gene: COQ2 (coenzyme Q2, polyprenyltransferase; minus strand). Cytogenetic location: 4q21.23.
Variant type: single nucleotide variant.
Coding change: c.383C>G on transcript NM_001358921.2 (MANE Select); coding-DNA position 383, C replaced by G.
Protein change: p.Thr128Ser; replaces threonine 128 with serine.
Molecular consequence: missense variant.
Genome position (GRCh38, 1-based): chr4:83,278,985, G>C on the plus strand (C>G on the coding strand, the complement: COQ2 is on the minus strand). VCF-style: chr4-83278985-G-C. GRCh37 (hg19) VCF-style: chr4-84200138-G-C.
Other names: c.533C>G, p.Thr178Ser (NM_015697.9); short protein forms T178S, T128S.
Identifiers: ClinVar variation 1900491 (VCV001900491.5), dbSNP rs2529770211, ClinGen allele CA357230486.

ClinVar aggregate classification (germline): Uncertain significance (1 of 4 stars; one submission).

Submission:

Labcorp Genetics (formerly Invitae), Labcorp
Classification: Uncertain significance. Last evaluated: 2024-02-17. Review status: criteria provided, single submitter. Criteria: Invitae Variant Classification Sherloc (09022015). Collection method: clinical testing. Allele origin: germline.
Comment: This sequence change replaces threonine, which is neutral and polar, with serine, which is neutral and polar, at codon 178 of the COQ2 protein (p.Thr178Ser). This variant is not present in population databases (gnomAD no frequency). This variant has not been reported in the literature in individuals affected with COQ2-related conditions. ClinVar contains an entry for this variant (Variation ID: 1900491). Advanced modeling of protein sequence and biophysical properties (such as structural, functional, and spatial information, amino acid conservation, physicochemical variation, residue mobility, and thermodynamic stability) performed at Invitae indicates that this missense variant is not expected to disrupt COQ2 protein function with a negative predictive value of 80%. In summary, the available evidence is currently insufficient to determine the role of this variant in disease. Therefore, it has been classified as a Variant of Uncertain Significance.